The following is an entry in ClinVar:

ClinVar aggregate classification (germline): Uncertain significance (1 of 4 stars; one submission).

Submission:

GeneDx
Classification: Uncertain significance. Last evaluated: 2023-12-07. Review status: criteria provided, single submitter. Criteria: GeneDx Variant Classification Process June 2021. Collection method: clinical testing. Allele origin: germline. Affected: yes.
Comment: Not observed at significant frequency in large population cohorts (gnomAD); In silico analysis supports that this missense variant does not alter protein structure/function; Has not been previously published as pathogenic or benign to our knowledge

NM_181552.4(CUX1):c.2039G>A (p.Arg680Lys)

Gene: CUX1 (cut like homeobox 1; plus strand). Cytogenetic location: 7q22.1.
Variant type: single nucleotide variant.
Coding change: c.2039G>A on transcript NM_181552.4 (MANE Select); coding-DNA position 2039, G replaced by A.
Protein change: p.Arg680Lys; replaces arginine 680 with lysine.
Molecular consequence: missense variant. On other transcripts: intron variant (5).
Genome position (GRCh38, 1-based): chr7:102,200,149, G>A. VCF-style: chr7-102200149-G-A. GRCh37 (hg19) VCF-style: chr7-101843429-G-A.
Other names: c.2072G>A, p.Arg691Lys (NM_001202543.2); c.1255+4546G>A (NM_001913.5); c.1249+4546G>A (NM_181500.4); c.1117+4546G>A (NM_001202545.3); c.1207+4546G>A (NM_001202544.3); c.1138+4546G>A (NM_001202546.3); short protein forms R680K, R691K.
Identifiers: ClinVar variation 3252381 (VCV003252381.1), dbSNP rs2485417595.